The following is an entry in ClinVar:

ClinVar aggregate classification (germline): Uncertain significance (1 of 4 stars; one submission).

Submission:

Labcorp Genetics (formerly Invitae), Labcorp
Classification: Uncertain significance. Last evaluated: 2021-09-03. Review status: criteria provided, single submitter. Criteria: Invitae Variant Classification Sherloc (09022015). Collection method: clinical testing. Allele origin: germline.
Comment: This sequence change replaces serine with asparagine at codon 510 of the CYP4V2 protein (p.Ser510Asn). The serine residue is weakly conserved and there is a small physicochemical difference between serine and asparagine. This variant is not present in population databases (ExAC no frequency). This variant has not been reported in the literature in individuals affected with CYP4V2-related conditions. Advanced modeling of protein sequence and biophysical properties (such as structural, functional, and spatial information, amino acid conservation, physicochemical variation, residue mobility, and thermodynamic stability) performed at Invitae indicates that this missense variant is not expected to disrupt CYP4V2 protein function. In summary, the available evidence is currently insufficient to determine the role of this variant in disease. Therefore, it has been classified as a Variant of Uncertain Significance.

NM_207352.4(CYP4V2):c.1529G>A (p.Ser510Asn)

Gene: CYP4V2 (cytochrome P450 family 4 subfamily V member 2; plus strand). Cytogenetic location: 4q35.2.
Variant type: single nucleotide variant.
Coding change: c.1529G>A on transcript NM_207352.4 (MANE Select); coding-DNA position 1529, G replaced by A.
Protein change: p.Ser510Asn; replaces serine 510 with asparagine.
Molecular consequence: missense variant.
Genome position (GRCh38, 1-based): chr4:186,210,592, G>A. VCF-style: chr4-186210592-G-A. GRCh37 (hg19) VCF-style: chr4-187131746-G-A.
Other names: short protein forms S510N.
Identifiers: ClinVar variation 1425615 (VCV001425615.6), dbSNP rs2126603720, ClinGen allele CA358951193.